The following is an entry in ClinVar:

ClinVar aggregate classification (germline): Pathogenic (1 of 4 stars; one submission).

Submission:

Athena Diagnostics
Classification: Pathogenic. Last evaluated: 2019-03-01. Review status: criteria provided, single submitter. Criteria: Athena Diagnostics Criteria. Collection method: clinical testing. Allele origin: germline.
Comment: The variant results in a shift of the reading frame, and is therefore predicted to result in the loss of a functional protein. Found in at least one symptomatic patient, and not found in general population data.

NM_000368.5(TSC1):c.2152_2153insAGCC (p.Arg718fs)

Gene: TSC1 (TSC complex subunit 1; minus strand). Cytogenetic location: 9q34.13.
Variant type: Insertion.
Coding change: c.2152_2153insAGCC on transcript NM_000368.5 (MANE Select); coding-DNA positions 2152 to 2153, AGCC inserted.
Protein change: p.Arg718fs; shifts the reading frame from arginine 718.
Molecular consequence: frameshift variant.
Genome position: GRCh38 VCF-style: chr9-132903706-C-CGGCT. GRCh37 (hg19) VCF-style: chr9-135779093-C-CGGCT.
Other names: c.2149_2150insAGCC, p.Arg717fs (NM_001162426.2); c.1999_2000insAGCC, p.Arg667fs (NM_001162427.2); c.1789_1790insAGCC, p.Arg597fs (NM_001362177.2); short protein forms R717fs, R597fs, R667fs, R718fs.
Identifiers: ClinVar variation 805691 (VCV000805691.1), dbSNP rs1588303969, ClinGen allele CA915947238.